The following is an entry in ClinVar:

ClinVar aggregate classification (germline): Uncertain significance (1 of 4 stars; one submission).

Conditions:
Charcot-Marie-Tooth disease type 4. Also called: Charcot-Marie-Tooth disease, type IV; Charcot-Marie-Tooth, Type 4. Identifiers: Orphanet 64749, MedGen C4082197, MONDO:0018995.

Allele frequency attached by ClinVar (database versions not stated): TOPMed 0.00001.

Submission:

Labcorp Genetics (formerly Invitae), Labcorp
Classification: Uncertain significance for Charcot-Marie-Tooth disease type 4. Last evaluated: 2020-07-13. Review status: criteria provided, single submitter. Criteria: Invitae Variant Classification Sherloc (09022015). Collection method: clinical testing. Allele origin: germline.
Comment: In summary, the available evidence is currently insufficient to determine the role of this variant in disease. Therefore, it has been classified as a Variant of Uncertain Significance. This sequence change replaces proline with serine at codon 761 of the PRX protein (p.Pro761Ser). The proline residue is highly conserved and there is a moderate physicochemical difference between proline and serine. This variant is not present in population databases (ExAC no frequency). This variant has not been reported in the literature in individuals with PRX-related conditions. Algorithms developed to predict the effect of missense changes on protein structure and function output the following: SIFT: "Tolerated"; PolyPhen-2: "Possibly Damaging"; Align-GVGD: "Class C0". The serine amino acid residue is found in multiple mammalian species, suggesting that this missense change does not adversely affect protein function. These predictions have not been confirmed by published functional studies and their clinical significance is uncertain.

NM_181882.3(PRX):c.2281C>T (p.Pro761Ser)

Gene: PRX (periaxin; minus strand). Cytogenetic location: 19q13.2.
Variant type: single nucleotide variant.
Coding change: c.2281C>T on transcript NM_181882.3 (MANE Select); coding-DNA position 2281, C replaced by T.
Protein change: p.Pro761Ser; replaces proline 761 with serine.
Molecular consequence: missense variant. On other transcripts: 3 prime UTR variant (1).
Genome position (GRCh38, 1-based): chr19:40,396,071, G>A on the plus strand (C>T on the coding strand, the complement: PRX is on the minus strand). VCF-style: chr19-40396071-G-A. GRCh37 (hg19) VCF-style: chr19-40901978-G-A.
Other names: c.*2486C>T (NM_020956.2); short protein forms P761S.
Identifiers: ClinVar variation 1024571 (VCV001024571.8), dbSNP rs1430642282, ClinGen allele CA405896619.